The following is an entry in ClinVar:

ClinVar aggregate classification (germline): Pathogenic (1 of 4 stars; one submission).

Conditions:
Ataxia-telangiectasia syndrome (AT). Also called: LOUIS-BAR SYNDROME; Ataxia-telangiectasia, complementation group D; ATAXIA-TELANGIECTASIA, COMPLEMENTATION GROUP A; ATAXIA-TELANGIECTASIA, FRESNO VARIANT; Ataxia-telangiectasia; Ataxia telangiectasia (A-T). Identifiers: Orphanet 100, MedGen C0004135, MONDO:0008840, OMIM 208900.

Submission:

Labcorp Genetics (formerly Invitae), Labcorp
Classification: Pathogenic for Ataxia-telangiectasia syndrome. Last evaluated: 2023-03-21. Review status: criteria provided, single submitter. Criteria: Invitae Variant Classification Sherloc (09022015). Collection method: clinical testing. Allele origin: germline.
Comment: This sequence change creates a premature translational stop signal (p.Gln1116Serfs*10) in the ATM gene. It is expected to result in an absent or disrupted protein product. Loss-of-function variants in ATM are known to be pathogenic (PMID: 23807571, 25614872). This variant is not present in population databases (gnomAD no frequency). This variant has not been reported in the literature in individuals affected with ATM-related conditions. For these reasons, this variant has been classified as Pathogenic.

Literature cited by the submitters: PubMed 23807571; PubMed 25614872.

NM_000051.4(ATM):c.3346del (p.Gln1116fs)

Gene: ATM (ATM serine/threonine kinase; plus strand). Cytogenetic location: 11q22.3.
Variant type: Deletion.
Coding change: c.3346del on transcript NM_000051.4 (MANE Select); coding-DNA position 3346, one base deleted (C; older notation c.3346delC).
Protein change: p.Gln1116fs; shifts the reading frame from glutamine 1116.
Molecular consequence: frameshift variant.
Genome position (GRCh38, 1-based): chr11:108,279,552, C deleted. VCF-style (leftmost placement, unchanged base first): chr11-108279551-TC-T. GRCh37 (hg19) VCF-style: chr11-108150278-TC-T.
Other names: c.3346del, p.Gln1116fs (NM_001351834.2); short protein forms Q1116fs.
Identifiers: ClinVar variation 2831383 (VCV002831383.3), dbSNP rs2546862387, ClinGen allele CA2739270903.